The following is an entry in ClinVar:

NM_017563.5(IL17RD):c.-8G>A

Genes: IL17RD (interleukin 17 receptor D; minus strand), LOC129936924 (ATAC-STARR-seq lymphoblastoid silent region 14478; plus strand). Cytogenetic location: 3p14.3.
Variant type: single nucleotide variant.
Coding change: c.-8G>A on transcript NM_017563.5 (MANE Select); 8 bases upstream of the start codon, G replaced by A.
Molecular consequence: 5 prime UTR variant. On other transcripts: intron variant (1).
Genome position (GRCh38, 1-based): chr3:57,165,294, C>T on the plus strand (G>A on the coding strand, the complement: IL17RD is on the minus strand). VCF-style: chr3-57165294-C-T. GRCh37 (hg19) VCF-style: chr3-57199322-C-T.
Other names: c.-307+3938G>A (NM_001318864.2).
Identifiers: ClinVar variation 4687489 (VCV004687489.1).

ClinVar aggregate classification (germline): Uncertain significance (1 of 4 stars; one submission).

gnomAD v4.1: 32 of 1,451,290 alleles (0.0022%); highest among the groups gnomAD compares: Middle Eastern, 0.059%; 1 homozygote.

Submission:

Women's Health and Genetics/Laboratory Corporation of America, LabCorp
Classification: Uncertain significance. Last evaluated: 2025-10-07. Review status: criteria provided, single submitter. Criteria: LabCorp Variant Classification Summary - May 2015. Collection method: clinical testing. Allele origin: germline.
Comment: Variant summary: IL17RD c.-8G>A is located in the untranslated mRNA region upstream of the initiation codon. The variant allele was found at a frequency of 0.00011 in 75748 control chromosomes in the gnomAD database, including 1 homozygotes. The available data on variant occurrences in the general population are insufficient to allow any conclusion about variant significance. To our knowledge, no occurrence of c.-8G>A in individuals affected with IL17RD-related conditions and no experimental evidence demonstrating its impact on protein function have been reported. No submitters have cited clinical-significance assessments for this variant to ClinVar. Based on the evidence outlined above, the variant was classified as uncertain significance.